The following is an entry in ClinVar:

ClinVar aggregate classification (germline): Benign/Likely benign. Review status: criteria provided, multiple submitters, no conflicts (2 of 4 stars). 3 submissions from 3 submitters: Benign (1); Likely benign (2). Last evaluated 2024-12-15.

Conditions:
Early-infantile DEE. Also called: Ohtahara syndrome; Early infantile epileptic encephalopathy; Early infantile epileptic encephalopathy with suppression bursts. Identifiers: Orphanet 1934, MedGen C0393706, MONDO:0800491.
Inborn genetic diseases. Identifiers: MedGen C0950123, MeSH D030342.

Allele frequency attached by ClinVar (database versions not stated): ExAC 0.00002; gnomAD exomes 0.00002; TOPMed 0.00005; gnomAD 0.00007 and 0.00008.
gnomAD v4.1: 22 of 1,582,706 alleles (0.0014%); highest among the groups gnomAD compares: Admixed American, 0.026%; no homozygotes.

Submissions (3):

Labcorp Genetics (formerly Invitae), Labcorp
Classification: Likely benign for Early-infantile DEE. Last evaluated: 2024-12-15. Review status: criteria provided, single submitter. Criteria: Invitae Variant Classification Sherloc (09022015). Collection method: clinical testing. Allele origin: germline.

Ambry Genetics
Classification: Likely benign for Inborn genetic diseases. Last evaluated: 2019-02-16. Review status: criteria provided, single submitter. Criteria: Ambry Variant Classification Scheme 2023. Collection method: clinical testing. Allele origin: germline.

GeneDx
Classification: Benign. Last evaluated: 2014-11-20. Review status: criteria provided, single submitter. Criteria: GeneDx Variant Classification (06012015). Collection method: clinical testing. Allele origin: germline. Affected: yes.
Comment: This variant is considered likely benign or benign based on one or more of the following criteria: it is a conservative change, it occurs at a poorly conserved position in the protein, it is predicted to be benign by multiple in silico algorithms, and/or has population frequency not consistent with disease.

NM_001191061.2(SLC25A22):c.75C>T (p.Cys25=)

Gene: SLC25A22 (solute carrier family 25 member 22; minus strand). Cytogenetic location: 11p15.5.
Variant type: single nucleotide variant.
Coding change: c.75C>T on transcript NM_001191061.2 (MANE Select); coding-DNA position 75, C replaced by T.
Protein change: p.Cys25=; no amino-acid change (cysteine 25 retained).
Molecular consequence: synonymous variant.
Genome position (GRCh38, 1-based): chr11:794,847, G>A on the plus strand (C>T on the coding strand, the complement: SLC25A22 is on the minus strand). VCF-style: chr11-794847-G-A. GRCh37 (hg19) VCF-style: chr11-794847-G-A.
Other names: p.C25C:TGC>TGT; c.75C>T, p.Cys25= (NM_001191060.2, NM_024698.6).
Identifiers: ClinVar variation 207148 (VCV000207148.11), dbSNP rs764930724, ClinGen allele CA318332.
Genomic context (GRCh38, chr11:794,847, plus strand): 5'-CACGCGCTGGCCGTTCTGCTGGTTCTGCAGCCTGGTCTTGGCCAGGTCGATGGGAAACAC[G>A]CAGGTGACACCGATCAGCCCGGCGATGCCGCCATTGATGAGCTTGGCTGGCAGGCTGTGT-3'
Protein context (NP_001177990.1, residues 15-35): GGIAGLIGVT[Cys25=]VFPIDLAKTR